The following is an entry in ClinVar:

ClinVar aggregate classification (germline): Benign. Review status: criteria provided, single submitter (1 of 4 stars). 2 submissions from 2 submitters: Benign (1). 1 of the submissions does not count toward it. Last evaluated 2026-01-18.

Conditions:
KAT6A-related disorder. Also called: KAT6A-related condition.

Allele frequency attached by ClinVar (database versions not stated): gnomAD 0.00004; ExAC 0.00007; ESP Exome Variant Server 0.00008; TOPMed 0.00008; 1000 Genomes Project 0.00020; 1000 Genomes Project 30x 0.00031.
gnomAD v4.1: 52 of 1,613,996 alleles (0.0032%); highest among the groups gnomAD compares: Admixed American, 0.012%; no homozygotes.

Submissions (2):

Labcorp Genetics (formerly Invitae), Labcorp
Classification: Benign. Last evaluated: 2026-01-18. Review status: criteria provided, single submitter. Criteria: Invitae Variant Classification Sherloc (09022015). Collection method: clinical testing. Allele origin: germline.

PreventionGenetics, part of Exact Sciences
Classification: Likely benign for KAT6A-related condition. Last evaluated: 2023-03-17. Review status: no assertion criteria provided. Collection method: clinical testing. Allele origin: germline. Not counted in ClinVar's aggregate classification.
Comment: This variant is classified as likely benign based on ACMG/AMP sequence variant interpretation guidelines (Richards et al. 2015 PMID: 25741868, with internal and published modifications).

NM_006766.5(KAT6A):c.4107C>T (p.Thr1369=)

Gene: KAT6A (lysine acetyltransferase 6A; minus strand). Cytogenetic location: 8p11.21.
Variant type: single nucleotide variant.
Coding change: c.4107C>T on transcript NM_006766.5 (MANE Select); coding-DNA position 4107, C replaced by T.
Protein change: p.Thr1369=; no amino-acid change (threonine 1369 retained).
Molecular consequence: synonymous variant.
Genome position (GRCh38, 1-based): chr8:41,934,113, G>A on the plus strand (C>T on the coding strand, the complement: KAT6A is on the minus strand). VCF-style: chr8-41934113-G-A. GRCh37 (hg19) VCF-style: chr8-41791631-G-A.
Other names: c.4107C>T (NM_006766.4).
Identifiers: ClinVar variation 1965112 (VCV001965112.7), dbSNP rs371651920, ClinGen allele CA4729545.